The following is an entry in ClinVar:

NM_004628.5(XPC):c.718C>T (p.Arg240Cys)

Gene: XPC (XPC complex subunit, DNA damage recognition and repair factor; minus strand). Cytogenetic location: 3p25.1.
Variant type: single nucleotide variant.
Coding change: c.718C>T on transcript NM_004628.5 (MANE Select); coding-DNA position 718, C replaced by T.
Protein change: p.Arg240Cys; replaces arginine 240 with cysteine.
Molecular consequence: missense variant. On other transcripts: non-coding transcript variant (2).
Genome position (GRCh38, 1-based): chr3:14,165,489, G>A on the plus strand (C>T on the coding strand, the complement: XPC is on the minus strand). VCF-style: chr3-14165489-G-A. GRCh37 (hg19) VCF-style: chr3-14206989-G-A.
Other names: c.139C>T, p.Arg47Cys (NM_001354726.2); c.718C>T, p.Arg240Cys (NM_001354727.2, NM_001354730.2); c.700C>T, p.Arg234Cys (NM_001354729.2); short protein forms R240C, R234C, R47C.
Identifiers: ClinVar variation 135479 (VCV000135479.2), dbSNP rs552222088, ClinGen allele CA162895.
Genomic context (GRCh38, chr3:14,165,489, plus strand): 5'-ACTTCACCAGGTTTGAGAGGTAGTAGGTGTCCACATCTCGAGGCAGCACTCTGGTAAAGC[G>A]GGCTGGGATGATGGACAGGCCAATAGCATGCAGATCTGGCTGGCTGCAGATGTTATTTCG-3'
Protein context (NP_004619.3, residues 230-250): HAIGLSIIPA[Arg240Cys]FTRVLPRDVD

ClinVar aggregate classification (germline): Uncertain significance. Review status: no assertion criteria provided (0 of 4 stars). 2 submissions from 2 submitters: Uncertain significance (1). 1 of the submissions does not count toward it. Last evaluated 2017-03-08.

Conditions:
Xeroderma pigmentosum, group C (XPC). Also called: XPC-Related Xeroderma Pigmentosum; Xeroderma pigmentosum, complementation group C; XERODERMA PIGMENTOSUM III; XP, GROUP C. Identifiers: Orphanet 910, MedGen C2752147, MONDO:0010211, OMIM 278720.

Allele frequency attached by ClinVar (database versions not stated): gnomAD 0.00002 and 0.00004; TOPMed 0.00002; ExAC 0.00019; 1000 Genomes Project 30x 0.00047; 1000 Genomes Project 0.00060.

Submissions (2):

Counsyl
Classification: Uncertain significance for Xeroderma pigmentosum, group C. Last evaluated: 2017-03-08. Review status: no assertion criteria provided. Collection method: clinical testing. Allele origin: unknown.

ITMI
No classification provided. Condition: AllHighlyPenetrant. Last evaluated: 2013-09-19. Review status: no classification provided. Collection method: reference population. Allele origin: germline. Not counted in ClinVar's aggregate classification.
Comment: Please see associated publication for description of ethnicities

Literature cited by the submitters: PubMed 24728327 (cited by ITMI).